The following is an entry in ClinVar:

ClinVar aggregate classification (germline): Conflicting classifications of pathogenicity. Review status: criteria provided, conflicting classifications (1 of 4 stars). 15 submissions from 10 submitters: Uncertain significance (9); Benign (2); Likely benign (1). 3 of the submissions do not count toward it. Last evaluated 2026-05-28.

Conditions:
TTN-related disorder. Also called: TTN-related disorders; TTN-related condition; TTN-related disease.
Cardiovascular phenotype. Identifiers: MedGen CN230736.
Inborn genetic diseases. Identifiers: MedGen C0950123, MeSH D030342.
Dilated cardiomyopathy 1G (CMD1G). Identifiers: Orphanet 154, MedGen C1858763, MONDO:0011400, OMIM 604145.
Early-onset myopathy with fatal cardiomyopathy (CMYO5). Also called: CONGENITAL MYOPATHY 5 WITH CARDIOMYOPATHY; Salih Myopathy. Identifiers: Orphanet 289377, MedGen C2673677, MONDO:0012714, OMIM 611705. Disease mechanism: loss of function.
Tibial muscular dystrophy (TMD). Also called: Tibial muscular dystrophy, tardive; Udd Distal Myopathy – Tibial Muscular Dystrophy; UDD MYOPATHY. Identifiers: Orphanet 609, MedGen C1838244, MONDO:0010870, OMIM 600334.
Autosomal recessive limb-girdle muscular dystrophy type 2J (LGMDR10). Also called: Limb-girdle muscular dystrophy, type 2J; MUSCULAR DYSTROPHY, LIMB-GIRDLE, AUTOSOMAL RECESSIVE 10. Identifiers: Orphanet 140922, MedGen C1837342, MONDO:0012127, OMIM 608807.
Myopathy, myofibrillar, 9, with early respiratory failure (MFM9). Also called: Myopathy, distal, with early respiratory failure, autosomal dominant; MYOPATHY, PROXIMAL, WITH EARLY RESPIRATORY MUSCLE INVOLVEMENT; Hereditary myopathy with early respiratory failure; EDSTROM MYOPATHY. Identifiers: Orphanet 178464, Orphanet 34521, MedGen C1863599, MONDO:0011362, OMIM 603689.

Allele frequency attached by ClinVar (database versions not stated): ESP Exome Variant Server 0.00008; TOPMed 0.00008; gnomAD 0.00009 and 0.00010; gnomAD exomes 0.00009 and 0.00017; ExAC 0.00012.
gnomAD v4.1: 259 of 1,613,730 alleles (0.016%); highest among the groups gnomAD compares: Non-Finnish European, 0.021%; no homozygotes.

Submissions (15):

PreventionGenetics, part of Exact Sciences
Classification: Uncertain significance for TTN-related condition. Last evaluated: 2026-05-28. Review status: criteria provided, single submitter. Criteria: ACMG Guidelines, 2015. Collection method: clinical testing. Allele origin: germline.
Comment: The TTN c.104522G>A variant is predicted to result in the amino acid substitution p.Arg34841His. To our knowledge, this variant has not been reported in the literature. This variant is reported in 0.017% of alleles in individuals of European (Non-Finnish) descent in gnomAD. Although we suspect that this variant may be benign, at this time, the clinical significance of this variant is uncertain due to the absence of conclusive functional and genetic evidence.

Mayo Clinic Laboratories, Mayo Clinic
Classification: Uncertain significance. Last evaluated: 2023-08-17. Review status: criteria provided, single submitter. Criteria: ACMG Guidelines, 2015. Collection method: clinical testing. Allele origin: germline. Observed: 1 variant allele.

Revvity Omics, Revvity
Classification: Uncertain significance. Last evaluated: 2022-03-16. Review status: criteria provided, single submitter. Criteria: ACMG Guidelines, 2015. Collection method: clinical testing. Allele origin: germline.

Ambry Genetics
Classification: Uncertain significance for Cardiovascular phenotype. Last evaluated: 2019-08-29. Review status: criteria provided, single submitter. Criteria: Ambry Variant Classification Scheme 2023. Collection method: clinical testing. Allele origin: germline.
Comment: The p.R25776H variant (also known as c.77327G>A), located in coding exon 185 of the TTN gene, results from a G to A substitution at nucleotide position 77327. The arginine at codon 25776 is replaced by histidine, an amino acid with highly similar properties. This amino acid position is highly conserved in available vertebrate species. In addition, the in silico prediction for this alteration is inconclusive. Since supporting evidence is limited at this time, the clinical significance of this alteration remains unclear.

GeneDx
Classification: Likely benign. Last evaluated: 2019-01-24. Review status: criteria provided, single submitter. Criteria: GeneDx Variant Classification Process June 2021. Collection method: clinical testing. Allele origin: germline. Affected: yes.
Comment: This variant is associated with the following publications: (PMID: 25356970)

Illumina Laboratory Services, Illumina
Classification: Uncertain significance for Autosomal recessive limb-girdle muscular dystrophy type 2J. Last evaluated: 2018-01-13. Review status: criteria provided, single submitter. Criteria: ICSL Variant Classification Criteria 13 December 2019. Collection method: clinical testing. Allele origin: germline.

Illumina Laboratory Services, Illumina
Classification: Uncertain significance for Dilated cardiomyopathy 1G. Last evaluated: 2018-01-13. Review status: criteria provided, single submitter. Criteria: ICSL Variant Classification Criteria 13 December 2019. Collection method: clinical testing. Allele origin: germline.

Illumina Laboratory Services, Illumina
Classification: Benign for Myopathy, myofibrillar, 9, with early respiratory failure. Last evaluated: 2018-01-13. Review status: criteria provided, single submitter. Criteria: ICSL Variant Classification Criteria 13 December 2019. Collection method: clinical testing. Allele origin: germline.
Comment: This variant was observed in the ICSL laboratory as part of a predisposition screen in an ostensibly healthy population. It had not been previously curated by ICSL or reported in the Human Gene Mutation Database (HGMD: prior to June 1st, 2018), and was therefore a candidate for classification through an automated scoring system. Utilizing variant allele frequency, disease prevalence and penetrance estimates, and inheritance mode, an automated score was calculated to assess if this variant is too frequent to cause the disease. Based on the score and internal cut-off values, a variant classified as benign is not then subjected to further curation. The score for this variant resulted in a classification of benign for this disease.

Illumina Laboratory Services, Illumina
Classification: Uncertain significance for Early-onset myopathy with fatal cardiomyopathy. Last evaluated: 2018-01-13. Review status: criteria provided, single submitter. Criteria: ICSL Variant Classification Criteria 13 December 2019. Collection method: clinical testing. Allele origin: germline.

Illumina Laboratory Services, Illumina
Classification: Benign for Tibial muscular dystrophy. Last evaluated: 2018-01-13. Review status: criteria provided, single submitter. Criteria: ICSL Variant Classification Criteria 13 December 2019. Collection method: clinical testing. Allele origin: germline.
Comment: the same text as in the submission from Illumina Laboratory Services, Illumina above.

Athena Diagnostics
Classification: Uncertain significance. Last evaluated: 2016-09-07. Review status: criteria provided, single submitter. Criteria: Athena Diagnostics Criteria. Collection method: clinical testing. Allele origin: germline.

Ambry Genetics
Classification: Uncertain significance for Inborn genetic diseases. Last evaluated: 2013-02-19. Review status: criteria provided, single submitter. Criteria: Ambry Autosomal Dominant and X-Linked criteria (10/2015). Collection method: clinical testing. Allele origin: germline. Observed: 1 variant allele.
Comment: There is insufficient or conflicting evidence for classification of this alteration.

Clinical Genetics DNA and cytogenetics Diagnostics Lab, Erasmus MC, Erasmus Medical Center
Classification: Uncertain significance. Review status: no assertion criteria provided. Collection method: clinical testing. Allele origin: germline. Affected: yes. Study: VKGL Data-share Consensus. Not counted in ClinVar's aggregate classification.

Joint Genome Diagnostic Labs from Nijmegen and Maastricht, Radboudumc and MUMC+
Classification: Uncertain significance. Review status: no assertion criteria provided. Collection method: clinical testing. Allele origin: germline. Affected: yes. Study: VKGL Data-share Consensus. Not counted in ClinVar's aggregate classification.

Laboratory of Diagnostic Genome Analysis, Leiden University Medical Center (LUMC)
Classification: Uncertain significance. Review status: no assertion criteria provided. Collection method: clinical testing. Allele origin: germline. Affected: yes. Study: VKGL Data-share Consensus. Not counted in ClinVar's aggregate classification.

NM_001267550.2(TTN):c.104522G>A (p.Arg34841His)

Genes: TTN (titin; minus strand), TTN-AS1 (TTN antisense RNA 1; plus strand). Cytogenetic location: 2q31.2.
Variant type: single nucleotide variant.
Coding change: c.104522G>A on transcript NM_001267550.2 (MANE Select); coding-DNA position 104522, G replaced by A.
Protein change: p.Arg34841His; replaces arginine 34841 with histidine.
Molecular consequence: missense variant.
Genome position (GRCh38, 1-based): chr2:178,532,093, C>T on the plus strand (G>A on the coding strand, the complement: TTN is on the minus strand). VCF-style: chr2-178532093-C-T. GRCh37 (hg19) VCF-style: chr2-179396820-C-T.
Other names: p.Arg32273His; c.104522G>A (LRG_391t1); c.99599G>A, p.Arg33200His (NM_001256850.1); c.77327G>A, p.Arg25776His (NM_003319.4); c.96818G>A, p.Arg32273His (NM_133378.4); c.77702G>A, p.Arg25901His (NM_133432.3); c.77903G>A, p.Arg25968His (NM_133437.4); short protein forms R32273H, R34841H, R25901H, R25776H, R25968H, R33200H.
Identifiers: ClinVar variation 225104 (VCV000225104.19), dbSNP rs373709706, ClinGen allele CA357992.